The following is an entry in ClinVar:

NM_032040.5(CCDC8):c.43C>T (p.Arg15Trp)

Gene: CCDC8 (coiled-coil domain containing 8 subunit of 3M complex; minus strand). Cytogenetic location: 19q13.32.
Variant type: single nucleotide variant.
Coding change: c.43C>T on transcript NM_032040.5 (MANE Select); coding-DNA position 43, C replaced by T.
Protein change: p.Arg15Trp; replaces arginine 15 with tryptophan.
Molecular consequence: missense variant.
Genome position (GRCh38, 1-based): chr19:46,412,768, G>A on the plus strand (C>T on the coding strand, the complement: CCDC8 is on the minus strand). VCF-style: chr19-46412768-G-A. GRCh37 (hg19) VCF-style: chr19-46916025-G-A.
Other names: short protein forms R15W.
Identifiers: ClinVar variation 714026 (VCV000714026.17), dbSNP rs200189331, ClinGen allele CA9528791.

ClinVar aggregate classification (germline): Conflicting classifications of pathogenicity. Review status: criteria provided, conflicting classifications (1 of 4 stars). 5 submissions from 5 submitters: Uncertain significance (2); Likely benign (2). 1 of the submissions does not count toward it. Last evaluated 2026-01-21.

Conditions:
3M syndrome 3. Also called: THREE M SYNDROME 3; 3-M Syndrome, CCDC8-Related. Identifiers: Orphanet 2616, MedGen C3280146, MONDO:0013627, OMIM 614205.
CCDC8-related disorder. Also called: CCDC8-related condition.

Allele frequency attached by ClinVar (database versions not stated): 1000 Genomes Project 30x 0.00016; gnomAD exomes 0.00017 and 0.00085; 1000 Genomes Project 0.00020; gnomAD 0.00021 and 0.00022; TOPMed 0.00034; ExAC 0.00066.

Submissions (5):

Labcorp Genetics (formerly Invitae), Labcorp
Classification: Likely benign. Last evaluated: 2026-01-21. Review status: criteria provided, single submitter. Criteria: Invitae Variant Classification Sherloc (09022015). Collection method: clinical testing. Allele origin: germline.

GeneDx
Classification: Uncertain significance. Last evaluated: 2022-08-03. Review status: criteria provided, single submitter. Criteria: GeneDx Variant Classification Process June 2021. Collection method: clinical testing. Allele origin: germline. Affected: yes.
Comment: In silico analysis supports that this missense variant has a deleterious effect on protein structure/function; Has not been previously published as pathogenic or benign to our knowledge

Knight Diagnostic Laboratories, Oregon Health and Sciences University
Classification: Likely benign. Last evaluated: 2019-03-18. Review status: criteria provided, single submitter. Criteria: ACMG Guidelines, 2015. Collection method: clinical testing. Allele origin: germline. Observed: 1 variant allele.

Baylor Genetics
Classification: Uncertain significance for 3M syndrome 3. Last evaluated: 2018-05-24. Review status: criteria provided, single submitter. Criteria: ACMG Guidelines, 2015. Collection method: clinical testing. Allele origin: unknown. Affected: yes.
Comment: This variant was determined to be of uncertain significance according to ACMG Guidelines, 2015 [PMID:25741868].

PreventionGenetics, part of Exact Sciences
Classification: Likely benign for CCDC8-related condition. Last evaluated: 2019-10-28. Review status: no assertion criteria provided. Collection method: clinical testing. Allele origin: germline. Not counted in ClinVar's aggregate classification.
Comment: This variant is classified as likely benign based on ACMG/AMP sequence variant interpretation guidelines (Richards et al. 2015 PMID: 25741868, with internal and published modifications).